The following is an entry in ClinVar:

ClinVar aggregate classification (germline): Pathogenic (1 of 4 stars; one submission).

Conditions:
Joubert syndrome 3 (JBTS3). Also called: AHI1-related Ciliopathy. Identifiers: Orphanet 220493, MedGen C1837713, MONDO:0012078, OMIM 608629.

Submission:

Myriad Genetics, Inc.
Classification: Pathogenic for Joubert syndrome 3. Last evaluated: 2024-09-09. Review status: criteria provided, single submitter. Criteria: Myriad Autosomal Dominant, Autosomal Recessive and X-Linked Classification Criteria (2023). Collection method: clinical testing. Allele origin: unknown.
Comment: NM_001134831.1(AHI1):c.2685T>A(Y895*) is expected to be pathogenic in the context of Joubert syndrome, AHI1-related. This variant is predicted to lead to an abnormal or absent protein product due to the creation of a premature termination codon in AHI1, a gene where loss-of-function variants are known to be pathogenic. Please note: this variant was assessed in the context of healthy population screening.

NM_001134831.2(AHI1):c.2685T>A (p.Tyr895Ter)

Gene: AHI1 (Abelson helper integration site 1; minus strand). Cytogenetic location: 6q23.3.
Variant type: single nucleotide variant.
Coding change: c.2685T>A on transcript NM_001134831.2 (MANE Select); coding-DNA position 2685, T replaced by A.
Protein change: p.Tyr895Ter; replaces tyrosine 895 with a stop codon.
Molecular consequence: nonsense.
Genome position (GRCh38, 1-based): chr6:135,427,246, A>T on the plus strand (T>A on the coding strand, the complement: AHI1 is on the minus strand). VCF-style: chr6-135427246-A-T. GRCh37 (hg19) VCF-style: chr6-135748384-A-T.
Other names: c.2685T>A, p.Tyr895Ter (NM_001134830.2, NM_001134832.2, NM_001350503.2 and 2 more transcripts); short protein forms Y895*.
Identifiers: ClinVar variation 5013540 (VCV005013540.1).